The following is an entry in ClinVar:

ClinVar aggregate classification (germline): Uncertain significance (1 of 4 stars; one submission).

Conditions:
Developmental and epileptic encephalopathy, 34 (DEE34). Also called: Early infantile epileptic encephalopathy 34; SLC12A5-Related Epilepsy of Infancy with Migrating Focal Seizures. Identifiers: Orphanet 293181, MedGen C4225257, MONDO:0014718, OMIM 616645.

Allele frequency attached by ClinVar (database versions not stated): ExAC 0.00001; gnomAD 0.00001; 1000 Genomes Project 30x 0.00016; 1000 Genomes Project 0.00020.

Submission:

Labcorp Genetics (formerly Invitae), Labcorp
Classification: Uncertain significance for Developmental and epileptic encephalopathy, 34. Last evaluated: 2021-10-20. Review status: criteria provided, single submitter. Criteria: Invitae Variant Classification Sherloc (09022015). Collection method: clinical testing. Allele origin: germline.
Comment: In summary, the available evidence is currently insufficient to determine the role of this variant in disease. Therefore, it has been classified as a Variant of Uncertain Significance. Advanced modeling of protein sequence and biophysical properties (such as structural, functional, and spatial information, amino acid conservation, physicochemical variation, residue mobility, and thermodynamic stability) performed at Invitae indicates that this missense variant is expected to disrupt SLC12A5 protein function. This variant has not been reported in the literature in individuals affected with SLC12A5-related conditions. This variant is present in population databases (rs200020521, ExAC 0.002%). This sequence change replaces arginine with cysteine at codon 654 of the SLC12A5 protein (p.Arg654Cys). The arginine residue is highly conserved and there is a large physicochemical difference between arginine and cysteine.

NM_020708.5(SLC12A5):c.1960C>T (p.Arg654Cys)

Gene: SLC12A5 (solute carrier family 12 member 5; plus strand). Cytogenetic location: 20q13.12.
Variant type: single nucleotide variant.
Coding change: c.1960C>T on transcript NM_020708.5 (MANE Select); coding-DNA position 1960, C replaced by T.
Protein change: p.Arg654Cys; replaces arginine 654 with cysteine.
Molecular consequence: missense variant.
Genome position (GRCh38, 1-based): chr20:46,048,033, C>T. VCF-style: chr20-46048033-C-T. GRCh37 (hg19) VCF-style: chr20-44676672-C-T.
Other names: c.2029C>T, p.Arg677Cys (NM_001134771.2); short protein forms R654C, R677C.
Identifiers: ClinVar variation 1385058 (VCV001385058.6), dbSNP rs200020521, ClinGen allele CA9887489.